The following is an entry in ClinVar:

NM_000548.5(TSC2):c.5115C>G (p.Asp1705Glu)

Gene: TSC2 (TSC complex subunit 2; plus strand). Cytogenetic location: 16p13.3.
Variant type: single nucleotide variant.
Coding change: c.5115C>G on transcript NM_000548.5 (MANE Select); coding-DNA position 5115, C replaced by G.
Protein change: p.Asp1705Glu; replaces aspartic acid 1705 with glutamic acid.
Molecular consequence: missense variant.
Genome position (GRCh38, 1-based): chr16:2,088,094, C>G. VCF-style: chr16-2088094-C-G. GRCh37 (hg19) VCF-style: chr16-2138095-C-G.
Other names: c.4914C>G, p.Asp1638Glu (NM_001077183.3); c.5046C>G, p.Asp1682Glu (NM_001114382.3); c.4806C>G, p.Asp1602Glu (NM_001318827.2); c.4770C>G, p.Asp1590Glu (NM_001318829.2); c.4383C>G, p.Asp1461Glu (NM_001318831.2); c.4947C>G, p.Asp1649Glu (NM_001318832.2); c.4917C>G, p.Asp1639Glu (NM_001363528.2); c.4983C>G, p.Asp1661Glu (NM_001370404.1); and 1 more; short protein forms D1602E, D1639E, D1661E, D1590E, D1682E, D1461E, D1638E, D1662E.
Identifiers: ClinVar variation 663333 (VCV000663333.18), dbSNP rs1385591764, ClinGen allele CA394312331.

ClinVar aggregate classification (germline): Conflicting classifications of pathogenicity. Review status: criteria provided, conflicting classifications (1 of 4 stars). 5 submissions from 5 submitters: Uncertain significance (4); Benign (1). Last evaluated 2025-12-15.

Conditions:
Hereditary cancer-predisposing syndrome. Also called: Neoplastic Syndromes, Hereditary; Hereditary neoplastic syndrome; Tumor predisposition; Hereditary Cancer Syndrome. Identifiers: Orphanet 140162, MedGen C0027672, MeSH D009386, MONDO:0015356.
Tuberous sclerosis syndrome (TSC). Also called: Tuberous Sclerosis Complex; Tuberous sclerosis. Identifiers: Orphanet 805, MedGen C0041341, MONDO:0001734.
Tuberous sclerosis 2 (TSC2). Identifiers: Orphanet 805, MedGen C1860707, MONDO:0013199, OMIM 613254.

Submissions (5):

Labcorp Genetics (formerly Invitae), Labcorp
Classification: Benign for Tuberous sclerosis 2. Last evaluated: 2025-12-15. Review status: criteria provided, single submitter. Criteria: Invitae Variant Classification Sherloc (09022015). Collection method: clinical testing. Allele origin: germline.

All of Us Research Program, National Institutes of Health
Classification: Uncertain significance for Tuberous sclerosis syndrome. Last evaluated: 2024-05-30. Review status: criteria provided, single submitter. Criteria: ACMG Guidelines, 2015. Collection method: clinical testing. Allele origin: germline. Inheritance: Autosomal dominant inheritance. Observed: 1 variant allele, 1 heterozygote.
Comment: This missense variant replaces aspartic acid with glutamic acid at codon 1705 of the TSC2 protein. Computational prediction is inconclusive regarding the impact of this variant on protein structure and function (internally defined REVEL score threshold 0.5 < inconclusive < 0.7, PMID: 27666373). To our knowledge, functional studies have not been reported for this variant. This variant has not been reported in individuals affected with TSC2-related disorders in the literature. This variant has not been identified in the general population by the Genome Aggregation Database (gnomAD). The available evidence is insufficient to determine the role of this variant in disease conclusively. Therefore, this variant is classified as a Variant of Uncertain Significance.

This study involves interpretation of variants in research participants for the purpose of population health screening. Participant phenotype was not available at the time of variant classification. Additional details can be found in publication PMID: 35346344, PMCID: PMC8962531

Ambry Genetics
Classification: Uncertain significance for Hereditary cancer-predisposing syndrome. Last evaluated: 2024-01-30. Review status: criteria provided, single submitter. Criteria: Ambry Variant Classification Scheme 2023. Collection method: clinical testing. Allele origin: germline.
Comment: The p.D1705E variant (also known as c.5115C>G), located in coding exon 39 of the TSC2 gene, results from a C to G substitution at nucleotide position 5115. The aspartic acid at codon 1705 is replaced by glutamic acid, an amino acid with highly similar properties. This amino acid position is highly conserved in available vertebrate species. In addition, the in silico prediction for this alteration is inconclusive. Based on the available evidence, the clinical significance of this alteration remains unclear.

GeneDx
Classification: Uncertain significance. Last evaluated: 2023-06-23. Review status: criteria provided, single submitter. Criteria: GeneDx Variant Classification Process June 2021. Collection method: clinical testing. Allele origin: germline. Affected: yes.
Comment: Not observed in large population cohorts (gnomAD); In silico analysis supports that this missense variant has a deleterious effect on protein structure/function; Has not been previously published as pathogenic or benign to our knowledge; This variant is associated with the following publications: (PMID: 18466115)

Genome-Nilou Lab
Classification: Uncertain significance for Tuberous sclerosis 2. Last evaluated: 2021-11-07. Review status: criteria provided, single submitter. Criteria: ACMG Guidelines, 2015. Collection method: clinical testing. Allele origin: germline. Affected: no.